The following is an entry in ClinVar:

NM_005670.4(EPM2A):c.659T>A (p.Leu220Gln)

Gene: EPM2A (EPM2A glucan phosphatase, laforin; minus strand). Cytogenetic location: 6q24.3.
Variant type: single nucleotide variant.
Coding change: c.659T>A on transcript NM_005670.4 (MANE Select); coding-DNA position 659, T replaced by A.
Protein change: p.Leu220Gln; replaces leucine 220 with glutamine.
Molecular consequence: missense variant. On other transcripts: intron variant (1).
Genome position (GRCh38, 1-based): chr6:145,635,304, A>T on the plus strand (T>A on the coding strand, the complement: EPM2A is on the minus strand). VCF-style: chr6-145635304-A-T. GRCh37 (hg19) VCF-style: chr6-145956440-A-T.
Other names: NR_153398.2:n.292-7611T>A; c.659T>A, p.Leu220Gln (NM_001018041.2, NM_001368130.1); c.245T>A, p.Leu82Gln (NM_001360064.2, NM_001360071.2, NM_001368131.1); c.197T>A, p.Leu66Gln (NM_001368129.2, NM_001368132.1); c.477-7611T>A (NM_001360057.2); short protein forms L220Q, L66Q, L82Q.
Identifiers: ClinVar variation 3776819 (VCV003776819.1).

ClinVar aggregate classification (germline): Uncertain significance (1 of 4 stars; one submission).

Conditions:
Lafora disease. Also called: Epilepsy progressive myoclonic 2. Identifiers: Orphanet 501, MedGen C0751783, MONDO:0009697.

gnomAD v4.1: 1 of 1,614,114 alleles (0.000062%); highest among the groups gnomAD compares: Non-Finnish European, 0.000085%; no homozygotes.

Submission:

Broad Center for Mendelian Genomics, Broad Institute of MIT and Harvard
Classification: Uncertain significance for Lafora disease. Last evaluated: 2025-01-06. Review status: criteria provided, single submitter. Criteria: ACMG Guidelines, 2015. Collection method: curation. Allele origin: germline. Inheritance: Autosomal recessive inheritance.
Comment: The p.Leu220Gln variant in EPM2A has been reported, in the homozygous state, in 1 individual with Lafora disease (PMID: 20738377), and has been identified in 0.00009% (1/1111966) of European (non-Finnish) chromosomes by the Genome Aggregation Database (gnomAD). Although this variant has been seen in the general population in a heterozygous state, its frequency is low enough to be consistent with a recessive carrier frequency. Computational prediction tools and conservation analyses do not provide strong support for or against an impact to the protein. In summary, the clinical significance of the p.Leu220Gln variant is uncertain. ACMG/AMP Criteria applied: PM2_supporting, PM3_supporting (Richards 2015).